The following is an entry in ClinVar:

NM_001458.5(FLNC):c.2389+2T>C

Gene: FLNC (filamin C; plus strand). Cytogenetic location: 7q32.1.
Variant type: single nucleotide variant.
Coding change: c.2389+2T>C on transcript NM_001458.5 (MANE Select); the canonical splice donor site of the intron after coding-DNA position 2389, T replaced by C.
Molecular consequence: splice donor variant.
Genome position (GRCh38, 1-based): chr7:128,842,700, T>C. VCF-style: chr7-128842700-T-C. GRCh37 (hg19) VCF-style: chr7-128482754-T-C.
Other names: c.2389+2T>C (NM_001127487.2).
Identifiers: ClinVar variation 569372 (VCV000569372.10), dbSNP rs112903432, ClinGen allele CA166175261.

ClinVar aggregate classification (germline): Pathogenic (1 of 4 stars; one submission).

Conditions:
Distal myopathy with posterior leg and anterior hand involvement. Also called: WILLIAMS DISTAL MYOPATHY. Identifiers: Orphanet 63273, MedGen C3279722, MONDO:0013550, OMIM 614065.
Myofibrillar myopathy 5. Also called: Filaminopathy (type); FILAMINOPATHY, AUTOSOMAL DOMINANT. Identifiers: Orphanet 171445, MedGen C1836050, MONDO:0012289, OMIM 609524.
Hypertrophic cardiomyopathy 26. Also called: Cardiomyopathy, familial hypertrophic, 26. Identifiers: Orphanet 75249, MedGen C4310749, MONDO:0014883, OMIM 617047.

Submission:

Labcorp Genetics (formerly Invitae), Labcorp
Classification: Pathogenic for Distal myopathy with posterior leg and anterior hand involvement; Myofibrillar myopathy 5; Hypertrophic cardiomyopathy 26. Last evaluated: 2022-11-15. Review status: criteria provided, single submitter. Criteria: Invitae Variant Classification Sherloc (09022015). Collection method: clinical testing. Allele origin: germline.
Comment: Disruption of this splice site has been observed in individual(s) with dilated cardiomyopathy (PMID: 29551499). It has also been observed to segregate with disease in related individuals. For these reasons, this variant has been classified as Pathogenic. Studies have shown that disruption of this splice site results in skipping of exon 15 and introduces a premature termination codon (PMID: 29551499). The resulting mRNA is expected to undergo nonsense-mediated decay. ClinVar contains an entry for this variant (Variation ID: 569372). This variant is not present in population databases (gnomAD no frequency). This sequence change affects a donor splice site in intron 15 of the FLNC gene. RNA analysis indicates that disruption of this splice site induces altered splicing and may result in an absent or disrupted protein product.

Literature cited by the submitters: PubMed 29551499.